The following is an entry in ClinVar:

NM_001282116.2(RFX3):c.1646T>A (p.Val549Asp)

Gene: RFX3 (regulatory factor X3; minus strand). Cytogenetic location: 9p24.2.
Variant type: single nucleotide variant.
Coding change: c.1646T>A on transcript NM_001282116.2 (MANE Select); coding-DNA position 1646, T replaced by A.
Protein change: p.Val549Asp; replaces valine 549 with aspartic acid.
Molecular consequence: missense variant.
Genome position (GRCh38, 1-based): chr9:3,257,159, A>T on the plus strand (T>A on the coding strand, the complement: RFX3 is on the minus strand). VCF-style: chr9-3257159-A-T. GRCh37 (hg19) VCF-style: chr9-3257159-A-T.
Other names: c.1646T>A, p.Val549Asp (NM_001377999.1, NM_002919.4, NM_134428.3); short protein forms V549D.
Identifiers: ClinVar variation 1712774 (VCV001712774.2), dbSNP rs2489195144, ClinGen allele CA372843880.

ClinVar aggregate classification (germline): Uncertain significance (1 of 4 stars; one submission).

Submission:

GeneDx
Classification: Uncertain significance. Last evaluated: 2022-04-27. Review status: criteria provided, single submitter. Criteria: GeneDx Variant Classification Process June 2021. Collection method: clinical testing. Allele origin: germline. Affected: yes.
Comment: Not observed at significant frequency in large population cohorts (gnomAD); In silico analysis supports that this missense variant has a deleterious effect on protein structure/function; Has not been previously published as pathogenic or benign to our knowledge